The following is an entry in ClinVar:

ClinVar aggregate classification (germline): Benign (1 of 4 stars; one submission).

Allele frequency attached by ClinVar (database versions not stated): gnomAD 0.29216 and 0.29379; 1000 Genomes Project 0.23103; 1000 Genomes Project 30x 0.23157; TOPMed 0.27581.
gnomAD v4.1: 44,878 of 152,194 alleles (29%); highest among the groups gnomAD compares: Non-Finnish European, 39%; 7,874 homozygotes.

Submission:

GeneDx
Classification: Benign. Last evaluated: 2018-06-19. Review status: criteria provided, single submitter. Criteria: GeneDx Variant Classification (06012015). Collection method: clinical testing. Allele origin: germline. Affected: yes.
Comment: This variant is considered likely benign or benign based on one or more of the following criteria: it is a conservative change, it occurs at a poorly conserved position in the protein, it is predicted to be benign by multiple in silico algorithms, and/or has population frequency not consistent with disease.

NM_201384.3(PLEC):c.1263+177T>C

Genes: PLEC (plectin; minus strand), LOC130001334 (ATAC-STARR-seq lymphoblastoid silent region 19628; plus strand). Cytogenetic location: 8q24.3.
Variant type: single nucleotide variant.
Coding change: c.1263+177T>C on transcript NM_201384.3 (MANE Select); 177 bases into the intron after coding-DNA position 1263, T replaced by C.
Molecular consequence: intron variant.
Genome position (GRCh38, 1-based): chr8:143,933,821, A>G on the plus strand (T>C on the coding strand, the complement: PLEC is on the minus strand). VCF-style: chr8-143933821-A-G. GRCh37 (hg19) VCF-style: chr8-145007989-A-G.
Other names: c.1344+177T>C (NM_000445.5); c.1221+177T>C (NM_201378.4); c.1197+177T>C (NM_201379.3); c.1674+177T>C (NM_201380.4); c.1167+177T>C (NM_201381.3); c.1263+177T>C (NM_201382.4); c.1275+177T>C (NM_201383.3).
Identifiers: ClinVar variation 667917 (VCV000667917.1), dbSNP rs11136337, ClinGen allele CA12850412.